The following is an entry in ClinVar:

ClinVar aggregate classification (germline): Likely benign (0 of 4 stars; one submission).

Conditions:
DUSP22-related disorder. Also called: DUSP22-related condition.

Allele frequency attached by ClinVar (database versions not stated): gnomAD exomes 0.00006; ExAC 0.00007; gnomAD 0.00017; ESP Exome Variant Server 0.00023.
gnomAD v4.1: 113 of 1,613,498 alleles (0.007%); highest among the groups gnomAD compares: Middle Eastern, 0.049%; no homozygotes.

Submission:

PreventionGenetics, part of Exact Sciences
Classification: Likely benign for DUSP22-related condition. Last evaluated: 2021-09-30. Review status: no assertion criteria provided. Collection method: clinical testing. Allele origin: germline.
Comment: This variant is classified as likely benign based on ACMG/AMP sequence variant interpretation guidelines (Richards et al. 2015 PMID: 25741868, with internal and published modifications).

NM_001286555.3(DUSP22):c.168G>A (p.Ala56=)

Gene: DUSP22 (dual specificity phosphatase 22; plus strand). Cytogenetic location: 6p25.3.
Variant type: single nucleotide variant.
Coding change: c.168G>A on transcript NM_001286555.3 (MANE Select); coding-DNA position 168, G replaced by A.
Protein change: p.Ala56=; no amino-acid change (alanine 56 retained).
Molecular consequence: synonymous variant. On other transcripts: non-coding transcript variant (1).
Genome position (GRCh38, 1-based): chr6:335,143, G>A. VCF-style: chr6-335143-G-A. GRCh37 (hg19) VCF-style: chr6-335143-G-A.
Other names: c.168G>A, p.Ala56= (NM_020185.6).
Identifiers: ClinVar variation 3054593 (VCV003054593.2), dbSNP rs372273804, ClinGen allele CA3612227.